The following is an entry in ClinVar:

NM_000228.3(LAMB3):c.85C>T (p.Pro29Ser)

Gene: LAMB3 (laminin subunit beta 3; minus strand). Cytogenetic location: 1q32.2.
Variant type: single nucleotide variant.
Coding change: c.85C>T on transcript NM_000228.3 (MANE Select); coding-DNA position 85, C replaced by T.
Protein change: p.Pro29Ser; replaces proline 29 with serine.
Molecular consequence: missense variant.
Genome position (GRCh38, 1-based): chr1:209,650,062, G>A on the plus strand (C>T on the coding strand, the complement: LAMB3 is on the minus strand). VCF-style: chr1-209650062-G-A. GRCh37 (hg19) VCF-style: chr1-209823407-G-A.
Other names: c.85C>T, p.Pro29Ser (NM_001017402.2, NM_001127641.1); short protein forms P29S.
Identifiers: ClinVar variation 3624482 (VCV003624482.2).
Genomic context (GRCh38, chr1:209,650,062, plus strand): 5'-GTCCACAGGTAGATGAAGCTCGGAGAAACCGGGTCCTCCCAACAAGCAGGTCCCCAACAG[G>A]TGGATAGCAGGCCCCACGGGAGCAGGCTTGTTGGGCATGCAGGAGGCCAGGCAGGGCTGA-3'
Protein context (NP_000219.2, residues 19-39): QACSRGACYP[Pro29Ser]VGDLLVGRTR

ClinVar aggregate classification (germline): Uncertain significance (1 of 4 stars; one submission).

Submission:

Labcorp Genetics (formerly Invitae), Labcorp
Classification: Uncertain significance. Last evaluated: 2024-06-11. Review status: criteria provided, single submitter. Criteria: Invitae Variant Classification Sherloc (09022015). Collection method: clinical testing. Allele origin: germline.
Comment: This sequence change replaces proline, which is neutral and non-polar, with serine, which is neutral and polar, at codon 29 of the LAMB3 protein (p.Pro29Ser). This variant is present in population databases (rs763767212, gnomAD 0.008%). This variant has not been reported in the literature in individuals affected with LAMB3-related conditions. An algorithm developed to predict the effect of missense changes on protein structure and function (PolyPhen-2) suggests that this variant is likely to be disruptive. In summary, the available evidence is currently insufficient to determine the role of this variant in disease. Therefore, it has been classified as a Variant of Uncertain Significance.